The following is an entry in ClinVar:

ClinVar aggregate classification (germline): Pathogenic (1 of 4 stars; one submission).

Conditions:
Cerebral cavernous malformation (CCM). Also called: Cerebral cavernous hemangioma (type); CAVERNOUS ANGIOMA, FAMILIAL; CAVERNOUS ANGIOMATOUS MALFORMATIONS; CEREBRAL CAPILLARY MALFORMATIONS; Cavernous Hemangioma of Brain; Cerebral cavernous malformations. Identifiers: Orphanet 221061, MedGen C2919945, MONDO:0000820, OMIM 116860, HP:0033522.

Submission:

Labcorp Genetics (formerly Invitae), Labcorp
Classification: Pathogenic for Cerebral cavernous malformation. Last evaluated: 2023-08-02. Review status: criteria provided, single submitter. Criteria: Invitae Variant Classification Sherloc (09022015). Collection method: clinical testing. Allele origin: germline.
Comment: For these reasons, this variant has been classified as Pathogenic. This sequence change creates a premature translational stop signal (p.Gly128*) in the KRIT1 gene. It is expected to result in an absent or disrupted protein product. Loss-of-function variants in KRIT1 are known to be pathogenic (PMID: 10508515, 11222804, 12404106, 24689081). This variant is not present in population databases (gnomAD no frequency). This variant has not been reported in the literature in individuals affected with KRIT1-related conditions. ClinVar contains an entry for this variant (Variation ID: 1071796). Algorithms developed to predict the effect of sequence changes on RNA splicing suggest that this variant may disrupt the consensus splice site.

Literature cited by the submitters: PubMed 10508515; PubMed 11222804; PubMed 12404106; PubMed 24689081.

NM_194454.3(KRIT1):c.382G>T (p.Gly128Ter)

Gene: KRIT1 (KRIT1 ankyrin repeat containing; minus strand). Cytogenetic location: 7q21.2.
Variant type: single nucleotide variant.
Coding change: c.382G>T on transcript NM_194454.3 (MANE Select); coding-DNA position 382, G replaced by T.
Protein change: p.Gly128Ter; replaces glycine 128 with a stop codon.
Molecular consequence: nonsense. On other transcripts: 5 prime UTR variant (1).
Genome position (GRCh38, 1-based): chr7:92,236,516, C>A on the plus strand (G>T on the coding strand, the complement: KRIT1 is on the minus strand). VCF-style: chr7-92236516-C-A. GRCh37 (hg19) VCF-style: chr7-91865830-C-A.
Other names: c.382G>T, p.Gly128Ter (NM_001013406.2, NM_001350669.1, NM_001350670.1 and 29 more transcripts); c.-202G>T (NM_001350671.1); short protein forms G128*.
Identifiers: ClinVar variation 1071796 (VCV001071796.7), dbSNP rs2131676374, ClinGen allele CA368162647.